The following is an entry in ClinVar:

ClinVar aggregate classification (germline): Conflicting classifications of pathogenicity. Review status: criteria provided, conflicting classifications (1 of 4 stars). 6 submissions from 6 submitters: Uncertain significance (3); Likely benign (3). Last evaluated 2025-12-15.

Conditions:
Cardiovascular phenotype. Identifiers: MedGen CN230736.
Dilated cardiomyopathy 1G (CMD1G). Identifiers: Orphanet 154, MedGen C1858763, MONDO:0011400, OMIM 604145.
Autosomal recessive limb-girdle muscular dystrophy type 2J (LGMDR10). Also called: Limb-girdle muscular dystrophy, type 2J; MUSCULAR DYSTROPHY, LIMB-GIRDLE, AUTOSOMAL RECESSIVE 10. Identifiers: Orphanet 140922, MedGen C1837342, MONDO:0012127, OMIM 608807.

Allele frequency attached by ClinVar (database versions not stated): gnomAD 0.00004 and 0.00005; gnomAD exomes 0.00005 and 0.00018; TOPMed 0.00008; 1000 Genomes Project 30x 0.00016; 1000 Genomes Project 0.00020; ExAC 0.00021.
gnomAD v4.1: 72 of 1,614,052 alleles (0.0045%); highest among the groups gnomAD compares: Admixed American, 0.078%; no homozygotes.

Submissions (6):

Labcorp Genetics (formerly Invitae), Labcorp
Classification: Likely benign for Dilated cardiomyopathy 1G; Autosomal recessive limb-girdle muscular dystrophy type 2J. Last evaluated: 2025-12-15. Review status: criteria provided, single submitter. Criteria: Invitae Variant Classification Sherloc (09022015). Collection method: clinical testing. Allele origin: germline.

Revvity Omics, Revvity
Classification: Uncertain significance. Last evaluated: 2024-07-12. Review status: criteria provided, single submitter. Criteria: ACMG Guidelines, 2015. Collection method: clinical testing. Allele origin: germline.

Women's Health and Genetics/Laboratory Corporation of America, LabCorp
Classification: Likely benign. Last evaluated: 2022-09-06. Review status: criteria provided, single submitter. Criteria: LabCorp Variant Classification Summary - May 2015. Collection method: clinical testing. Allele origin: germline.
Comment: Variant summary: TTN c.5255G>A (p.Arg1752His) results in a non-conservative amino acid change located in the near Z disk/I-band region of the encoded protein sequence. Four of five in-silico tools predict a damaging effect of the variant on protein function. The variant allele was found at a frequency of 0.00018 in 250778 control chromosomes, predominantly at a frequency of 0.0011 within the Latino subpopulation in the gnomAD database. The observed variant frequency within Latino control individuals in the gnomAD database is approximately 3 fold of the estimated maximal predicted allele frequency for a pathogenic variant in TTN causing Dilated Cardiomyopathy phenotype (0.00039), strongly suggesting that the variant is a benign polymorphism found primarily in populations of Latino origin. c.5255G>A has been reported in the literature as a de novo occurrence in at-least one individual affected with autism (example: Lim_2017 and Turner_2019). These reports do not provide unequivocal conclusions about association of the variant with Dilated Cardiomyopathy. To our knowledge, no experimental evidence demonstrating an impact on protein function has been reported. Three clinical diagnostic laboratories have submitted clinical-significance assessments for this variant to ClinVar after 2014 and classified the variant as VUS (n=1) and likely benign (n=2). Based on the evidence outlined above, the variant was classified as likely benign.

Ambry Genetics
Classification: Uncertain significance for Cardiovascular phenotype. Last evaluated: 2019-09-23. Review status: criteria provided, single submitter. Criteria: Ambry Variant Classification Scheme 2023. Collection method: clinical testing. Allele origin: germline.
Comment: The p.R1706H variant (also known as c.5117G>A), located in coding exon 26 of the TTN gene, results from a G to A substitution at nucleotide position 5117. The arginine at codon 1706 is replaced by histidine, an amino acid with highly similar properties. This amino acid position is highly conserved in available vertebrate species. In addition, the in silico prediction for this alteration is inconclusive. Since supporting evidence is limited at this time, the clinical significance of this alteration remains unclear.

GeneDx
Classification: Likely benign. Last evaluated: 2018-12-05. Review status: criteria provided, single submitter. Criteria: GeneDx Variant Classification Process June 2021. Collection method: clinical testing. Allele origin: germline. Affected: yes.
Comment: This variant is associated with the following publications: (PMID: 28714951)

Eurofins Ntd Llc (ga)
Classification: Uncertain significance. Last evaluated: 2017-10-02. Review status: criteria provided, single submitter. Criteria: EGL Classification Definitions 2015. Collection method: clinical testing. Allele origin: germline. Observed: 1 variant allele, 1 heterozygote.

Literature cited by the submitters: PubMed 31785789 (cited by Women's Health and Genetics/Laboratory Corporation of America, LabCorp); PubMed 28714951 (cited by Women's Health and Genetics/Laboratory Corporation of America, LabCorp).

NM_001267550.2(TTN):c.5255G>A (p.Arg1752His)

Gene: TTN (titin; minus strand). Cytogenetic location: 2q31.2.
Variant type: single nucleotide variant.
Coding change: c.5255G>A on transcript NM_001267550.2 (MANE Select); coding-DNA position 5255, G replaced by A.
Protein change: p.Arg1752His; replaces arginine 1752 with histidine.
Molecular consequence: missense variant.
Genome position (GRCh38, 1-based): chr2:178,776,609, C>T on the plus strand (G>A on the coding strand, the complement: TTN is on the minus strand). VCF-style: chr2-178776609-C-T. GRCh37 (hg19) VCF-style: chr2-179641336-C-T.
Other names: c.5117G>A, p.Arg1706His (NM_003319.4, NM_133432.3, NM_133437.4); c.5255G>A, p.Arg1752His (NM_133378.4, NM_133379.5, NM_001256850.1); short protein forms R1752H, R1706H.
Identifiers: ClinVar variation 507466 (VCV000507466.23), dbSNP rs150737838, ClinGen allele CA2005205.